The following is an entry in ClinVar:

ClinVar aggregate classification (germline): Uncertain significance (1 of 4 stars; one submission).

Conditions:
Malignant hyperthermia, susceptibility to, 1 (MHS1). Also called: RYR1-Related Malignant Hyperthermia Susceptibility; Malignant hyperthermia suceptibility 1; Anesthesia related hyperthermia; Malignant hyperpyrexia; Fulminating hyperpyrexia; Pharmacogenic myopathy. Identifiers: Orphanet 423, MedGen C2930980, MONDO:0007783, OMIM 145600.

Submission:

Leeds Institute of Medical Research, University of Leeds
Classification: Uncertain significance for Malignant hyperthermia, susceptibility to, 1. Review status: criteria provided, single submitter. Criteria: Johnston et al. (Hum Mol Genet. 2022). Collection method: research. Allele origin: germline. Inheritance: Autosomal dominant inheritance. Affected: yes. Observed: 1 variant allele, 1 heterozygote.
Comment: ACMG/AMP PM2 the missense variant was present in a single MH susceptible individual from the n=100 MHS individuals tested, and absent from the n=25 MH normal controls and UK Biobank. Segregation analysis was not possible due to absence of other family members. PP3 the CADD_PHRED score was 23.7. It was present in a gene that has two missense variants that are used diagnostically; however, the variant was in a different domain. No other rare variants were in the diagnostically used genes. From this evidence the variant is classified as uncertain significance.

NM_000069.3(CACNA1S):c.1426A>C (p.Thr476Pro)

Gene: CACNA1S (calcium voltage-gated channel subunit alpha1 S; minus strand). Cytogenetic location: 1q32.1.
Variant type: single nucleotide variant.
Coding change: c.1426A>C on transcript NM_000069.3 (MANE Select); coding-DNA position 1426, A replaced by C.
Protein change: p.Thr476Pro; replaces threonine 476 with proline.
Molecular consequence: missense variant.
Genome position (GRCh38, 1-based): chr1:201,078,072, T>G on the plus strand (A>C on the coding strand, the complement: CACNA1S is on the minus strand). VCF-style: chr1-201078072-T-G. GRCh37 (hg19) VCF-style: chr1-201047200-T-G.
Other names: short protein forms T476P.
Identifiers: ClinVar variation 4082263 (VCV004082263.1).